The following is an entry in ClinVar:

NM_177438.3(DICER1):c.2389G>A (p.Asp797Asn)

Gene: DICER1 (dicer 1, ribonuclease III; minus strand). Cytogenetic location: 14q32.13.
Variant type: single nucleotide variant.
Coding change: c.2389G>A on transcript NM_177438.3 (MANE Select); coding-DNA position 2389, G replaced by A.
Protein change: p.Asp797Asn; replaces aspartic acid 797 with asparagine.
Molecular consequence: missense variant. On other transcripts: non-coding transcript variant (6).
Genome position (GRCh38, 1-based): chr14:95,108,371, C>T on the plus strand (G>A on the coding strand, the complement: DICER1 is on the minus strand). VCF-style: chr14-95108371-C-T. GRCh37 (hg19) VCF-style: chr14-95574708-C-T.
Other names: c.2389G>A, p.Asp797Asn (NM_001195573.1, NM_001271282.3, NM_001291628.2 and 13 more transcripts); c.2107G>A, p.Asp703Asn (NM_001395686.1); c.1984G>A, p.Asp662Asn (NM_001395687.1, NM_001395688.1, NM_001395689.1 and 2 more transcripts); c.1822G>A, p.Asp608Asn (NM_001395691.1); c.706G>A, p.Asp236Asn (NM_001395697.1); short protein forms D662N, D703N, D608N, D797N, D236N.
Identifiers: ClinVar variation 2005111 (VCV002005111.5), dbSNP rs2140031938, ClinGen allele CA390882149.

ClinVar aggregate classification (germline): Uncertain significance. Review status: criteria provided, multiple submitters, no conflicts (2 of 4 stars). 2 submissions from 2 submitters: Uncertain significance (2). Last evaluated 2024-02-07.

Conditions:
DICER1-related tumor predisposition. Also called: DICER1-related pleuropulmonary blastoma cancer predisposition syndrome; DICER1 syndrome. Identifiers: Orphanet 284343, MedGen C3839822, MONDO:0100216.
Global developmental delay - lung cysts - overgrowth - Wilms tumor syndrome. Also called: GLOBAL DEVELOPMENTAL DELAY, LUNG CYSTS, OVERGROWTH, AND WILMS TUMOR; GLOW Syndrome. Identifiers: Orphanet 404476, MedGen C4748924, MONDO:0018445, OMIM 618272.

Submissions (2):

Baylor Genetics
Classification: Uncertain significance for Global developmental delay - lung cysts - overgrowth - Wilms tumor syndrome. Last evaluated: 2024-02-07. Review status: criteria provided, single submitter. Criteria: ACMG Guidelines, 2015. Collection method: clinical testing. Allele origin: unknown.

Labcorp Genetics (formerly Invitae), Labcorp
Classification: Uncertain significance for DICER1-related tumor predisposition. Last evaluated: 2022-06-12. Review status: criteria provided, single submitter. Criteria: Invitae Variant Classification Sherloc (09022015). Collection method: clinical testing. Allele origin: germline.
Comment: In summary, the available evidence is currently insufficient to determine the role of this variant in disease. Therefore, it has been classified as a Variant of Uncertain Significance. Algorithms developed to predict the effect of missense changes on protein structure and function are either unavailable or do not agree on the potential impact of this missense change (SIFT: "Tolerated"; PolyPhen-2: "Probably Damaging"; Align-GVGD: "Class C0"). This variant has not been reported in the literature in individuals affected with DICER1-related conditions. This variant is not present in population databases (gnomAD no frequency). This sequence change replaces aspartic acid, which is acidic and polar, with asparagine, which is neutral and polar, at codon 797 of the DICER1 protein (p.Asp797Asn).